The following is an entry in ClinVar:

NM_001040108.2(MLH3):c.2436T>C (p.Ser812=)

Gene: MLH3 (mutL homolog 3; minus strand). Cytogenetic location: 14q24.3.
Variant type: single nucleotide variant.
Coding change: c.2436T>C on transcript NM_001040108.2 (MANE Select); coding-DNA position 2436, T replaced by C.
Protein change: p.Ser812=; no amino-acid change (serine 812 retained).
Molecular consequence: synonymous variant.
Genome position (GRCh38, 1-based): chr14:75,047,220, A>G on the plus strand (T>C on the coding strand, the complement: MLH3 is on the minus strand). VCF-style: chr14-75047220-A-G. GRCh37 (hg19) VCF-style: chr14-75513923-A-G.
Other names: c.2436T>C, p.Ser812= (NM_014381.3).
Identifiers: ClinVar variation 2625677 (VCV002625677.3), dbSNP rs2503270271, ClinGen allele CA487273397.
Genomic context (GRCh38, chr14:75,047,220, plus strand): 5'-GAATGGAAACTTCTCTGAGTTAAGGATGTGGCTTGCTGGTTGACAACTACTATCTGAATC[A>G]CTATGCTCCATAGTAGTGATTTTACAAACATCAGAGTTCTCTAAGCGGTTCTTGTCCTTC-3'
Protein context (NP_001035197.1, residues 802-822): DVCKITTMEH[Ser812=]DSDSSCQPAS

ClinVar aggregate classification (germline): Benign/Likely benign. Review status: criteria provided, multiple submitters, no conflicts (2 of 4 stars). 2 submissions from 2 submitters: Benign (1); Likely benign (1). Last evaluated 2026-05-05.

Conditions:
Colorectal cancer, hereditary nonpolyposis, type 7. Identifiers: Orphanet 144, MedGen C1858380, MONDO:0013725, OMIM 614385.

Submissions (2):

Myriad Genetics, Inc.
Classification: Benign for Colorectal cancer, hereditary nonpolyposis, type 7. Last evaluated: 2026-05-05. Review status: criteria provided, single submitter. Criteria: Myriad Autosomal Dominant, Autosomal Recessive and X-Linked Classification Criteria (2023). Collection method: clinical testing. Allele origin: unknown.
Comment: This variant is considered benign. This variant is a silent/synonymous amino acid change and it is not expected to impact splicing.

Ambry Genetics
Classification: Likely benign. Last evaluated: 2023-09-07. Review status: criteria provided, single submitter. Criteria: Ambry Variant Classification Scheme 2023. Collection method: clinical testing. Allele origin: germline.